The following is an entry in ClinVar:

NM_170606.3(KMT2C):c.1299+12ATTT[2]

Gene: KMT2C (lysine methyltransferase 2C; minus strand). Cytogenetic location: 7q36.1.
Variant type: Microsatellite.
Coding change: c.1299+12ATTT[2] on transcript NM_170606.3 (MANE Select); two copies in a row of the 4-base unit ATTT starting at c.1299+12; the reference has three copies in a row; one copy, 4 bases deleted.
Molecular consequence: intron variant.
Genome position (GRCh38, 1-based): chr7:152,262,993-152,262,996, AAAT deleted on the plus strand (ATTT on the coding strand, the reverse complement: KMT2C is on the minus strand); deleting any 4 consecutive bases within chr7:152,262,993-152,263,007 gives the same sequence; the position shown is the placement nearest the transcript's 3' end. VCF-style (leftmost placement, unchanged base first): chr7-152262992-AAAAT-A. GRCh37 (hg19) VCF-style: chr7-151960077-AAAAT-A.
Identifiers: ClinVar variation 1670604 (VCV001670604.29), dbSNP rs3056537, ClinGen allele CA4581536.

ClinVar aggregate classification (germline): Benign/Likely benign. Review status: criteria provided, multiple submitters, no conflicts (2 of 4 stars). 3 submissions from 3 submitters: Benign (1); Likely benign (2). Last evaluated 2026-02-01.

Submissions (3):

CeGaT Center for Human Genetics Tuebingen
Classification: Likely benign. Last evaluated: 2026-02-01. Review status: criteria provided, single submitter. Criteria: CeGaT Center For Human Genetics Tuebingen Variant Classification Criteria Version 2. Collection method: clinical testing. Allele origin: germline. Affected: yes. Observed: 4 variant alleles.
Comment: KMT2C: BS1

Labcorp Genetics (formerly Invitae), Labcorp
Classification: Benign. Last evaluated: 2025-03-31. Review status: criteria provided, single submitter. Criteria: Invitae Variant Classification Sherloc (09022015). Collection method: clinical testing. Allele origin: germline.

Blueprint Genetics
Classification: Likely benign. Last evaluated: 2024-08-28. Review status: criteria provided, single submitter. Criteria: ACMG Guidelines, 2015. Collection method: clinical testing. Allele origin: germline.